The following is an entry in ClinVar:

ClinVar aggregate classification (germline): Uncertain significance (1 of 4 stars; one submission).

gnomAD v4.1: 4 of 1,551,164 alleles (0.00026%); highest among the groups gnomAD compares: South Asian, 0.0024%; no homozygotes.

Submission:

Labcorp Genetics (formerly Invitae), Labcorp
Classification: Uncertain significance. Last evaluated: 2024-10-23. Review status: criteria provided, single submitter. Criteria: Invitae Variant Classification Sherloc (09022015). Collection method: clinical testing. Allele origin: germline.
Comment: This sequence change replaces serine, which is neutral and polar, with tryptophan, which is neutral and slightly polar, at codon 305 of the COL11A2 protein (p.Ser305Trp). This variant is not present in population databases (gnomAD no frequency). This variant has not been reported in the literature in individuals affected with COL11A2-related conditions. Invitae Evidence Modeling of protein sequence and biophysical properties (such as structural, functional, and spatial information, amino acid conservation, physicochemical variation, residue mobility, and thermodynamic stability) indicates that this missense variant is not expected to disrupt COL11A2 protein function with a negative predictive value of 95%. In summary, the available evidence is currently insufficient to determine the role of this variant in disease. Therefore, it has been classified as a Variant of Uncertain Significance.

NM_080680.3(COL11A2):c.914C>G (p.Ser305Trp)

Gene: COL11A2 (collagen type XI alpha 2 chain; minus strand). Cytogenetic location: 6p21.32.
Variant type: single nucleotide variant.
Coding change: c.914C>G on transcript NM_080680.3 (MANE Select); coding-DNA position 914, C replaced by G.
Protein change: p.Ser305Trp; replaces serine 305 with tryptophan.
Molecular consequence: missense variant. On other transcripts: intron variant (1).
Genome position (GRCh38, 1-based): chr6:33,185,017, G>C on the plus strand (C>G on the coding strand, the complement: COL11A2 is on the minus strand). VCF-style: chr6-33185017-G-C. GRCh37 (hg19) VCF-style: chr6-33152794-G-C.
Other names: c.914C>G, p.Ser305Trp (NM_001424108.1); c.68C>G, p.Ser23Trp (NM_001424109.1, NM_001424110.1, NM_001424111.1); c.836C>G, p.Ser279Trp (NM_080681.3); c.798+1610C>G (NM_080679.3); short protein forms S23W, S279W, S305W.
Identifiers: ClinVar variation 3631331 (VCV003631331.2).